The following is an entry in ClinVar:

NM_012330.4(KAT6B):c.4937C>G (p.Thr1646Ser)

Gene: KAT6B (lysine acetyltransferase 6B; plus strand). Cytogenetic location: 10q22.2.
Variant type: single nucleotide variant.
Coding change: c.4937C>G on transcript NM_012330.4 (MANE Select); coding-DNA position 4937, C replaced by G.
Protein change: p.Thr1646Ser; replaces threonine 1646 with serine.
Molecular consequence: missense variant.
Genome position (GRCh38, 1-based): chr10:75,029,761, C>G. VCF-style: chr10-75029761-C-G. GRCh37 (hg19) VCF-style: chr10-76789519-C-G.
Other names: c.4388C>G, p.Thr1463Ser (NM_001256468.2, NM_001370138.1); c.4061C>G, p.Thr1354Ser (NM_001256469.2, NM_001370139.1, NM_001370140.1 and 2 more transcripts); c.3899C>G, p.Thr1300Ser (NM_001370132.1); c.3248C>G, p.Thr1083Ser (NM_001370133.1); c.2852C>G, p.Thr951Ser (NM_001370134.1); c.2594C>G, p.Thr865Ser (NM_001370135.1); c.4937C>G, p.Thr1646Ser (NM_001370136.1, NM_001370137.1); c.3872C>G, p.Thr1291Ser (NM_001370143.1, NM_001370144.1); short protein forms T1083S, T1291S, T1300S, T1354S, T1463S, T1646S, T865S, T951S.
Identifiers: ClinVar variation 1710625 (VCV001710625.2), dbSNP rs2549207212, ClinGen allele CA377299199.

ClinVar aggregate classification (germline): Uncertain significance (1 of 4 stars; one submission).

Submission:

GeneDx
Classification: Uncertain significance. Last evaluated: 2022-04-12. Review status: criteria provided, single submitter. Criteria: GeneDx Variant Classification Process June 2021. Collection method: clinical testing. Allele origin: germline. Affected: yes.
Comment: Not observed at significant frequency in large population cohorts (gnomAD); In silico analysis supports that this missense variant has a deleterious effect on protein structure/function; Has not been previously published as pathogenic or benign to our knowledge